The following is an entry in ClinVar:

ClinVar aggregate classification (germline): Uncertain significance (1 of 4 stars; one submission).

Allele frequency attached by ClinVar (database versions not stated): gnomAD exomes below 0.00001.
gnomAD v4.1: 1 of 1,614,090 alleles (0.000062%); highest among the groups gnomAD compares: Non-Finnish European, 0.000085%; no homozygotes.

Submission:

Labcorp Genetics (formerly Invitae), Labcorp
Classification: Uncertain significance. Last evaluated: 2019-12-07. Review status: criteria provided, single submitter. Criteria: Invitae Variant Classification Sherloc (09022015). Collection method: clinical testing. Allele origin: germline.
Comment: This variant is not present in population databases (ExAC no frequency). This sequence change replaces cysteine with serine at codon 2236 of the POLE protein (p.Cys2236Ser). The cysteine residue is highly conserved and there is a moderate physicochemical difference between cysteine and serine. In summary, the available evidence is currently insufficient to determine the role of this variant in disease. Therefore, it has been classified as a Variant of Uncertain Significance. Algorithms developed to predict the effect of missense changes on protein structure and function are either unavailable or do not agree on the potential impact of this missense change (SIFT: "Deleterious"; PolyPhen-2: "Probably Damaging"; Align-GVGD: "Class C0"). This variant has not been reported in the literature in individuals with POLE-related conditions.

NM_006231.4(POLE):c.6707G>C (p.Cys2236Ser)

Gene: POLE (DNA polymerase epsilon, catalytic subunit; minus strand). Cytogenetic location: 12q24.33.
Variant type: single nucleotide variant.
Coding change: c.6707G>C on transcript NM_006231.4 (MANE Select); coding-DNA position 6707, G replaced by C.
Protein change: p.Cys2236Ser; replaces cysteine 2236 with serine.
Molecular consequence: missense variant.
Genome position (GRCh38, 1-based): chr12:132,624,945, C>G on the plus strand (G>C on the coding strand, the complement: POLE is on the minus strand). VCF-style: chr12-132624945-C-G. GRCh37 (hg19) VCF-style: chr12-133201531-C-G.
Other names: short protein forms C2236S.
Identifiers: ClinVar variation 646737 (VCV000646737.10), dbSNP rs1593694136, ClinGen allele CA387366117.
Genomic context (GRCh38, chr12:132,624,945, plus strand): 5'-GCAGATGAGGGAGAGCCCACCTGGGTGTGGATGGTGAGGGCGAAGTCTCCCGCGCAGCTG[C>G]AGTACACAGGCATGCTGGTCTCCTTCACCCCGCGGCACTTCAGGCAGACCTGAAAGGGAG-3'
Protein context (NP_006222.2, residues 2226-2246): GVKETSMPVY[Cys2236Ser]SCAGDFALTI